The following is an entry in ClinVar:

NM_015909.4(NBAS):c.6776T>A (p.Leu2259His)

Gene: NBAS (NBAS subunit of NRZ tethering complex; minus strand). Cytogenetic location: 2p24.3.
Variant type: single nucleotide variant.
Coding change: c.6776T>A on transcript NM_015909.4 (MANE Select); coding-DNA position 6776, T replaced by A.
Protein change: p.Leu2259His; replaces leucine 2259 with histidine.
Molecular consequence: missense variant. On other transcripts: non-coding transcript variant (1).
Genome position (GRCh38, 1-based): chr2:15,179,052, A>T on the plus strand (T>A on the coding strand, the complement: NBAS is on the minus strand). VCF-style: chr2-15179052-A-T. GRCh37 (hg19) VCF-style: chr2-15319176-A-T.
Other names: c.6776T>A (NM_015909.2); short protein forms L2259H.
Identifiers: ClinVar variation 1355558 (VCV001355558.7), dbSNP rs541811148, ClinGen allele CA1534887.

ClinVar aggregate classification (germline): Uncertain significance. Review status: criteria provided, multiple submitters, no conflicts (2 of 4 stars). 2 submissions from 2 submitters: Uncertain significance (2). Last evaluated 2025-06-24.

Conditions:
Inborn genetic diseases. Identifiers: MedGen C0950123, MeSH D030342.

Allele frequency attached by ClinVar (database versions not stated): gnomAD exomes below 0.00001; ExAC 0.00001; gnomAD 0.00001 and 0.00002; TOPMed 0.00001; 1000 Genomes Project 0.00020; 1000 Genomes Project 30x 0.00031.
gnomAD v4.1: 3 of 1,614,054 alleles (0.00019%); highest among the groups gnomAD compares: African/African-American, 0.0027%; no homozygotes.

Submissions (2):

Ambry Genetics
Classification: Uncertain significance for Inborn genetic diseases. Last evaluated: 2025-06-24. Review status: criteria provided, single submitter. Criteria: Ambry Variant Classification Scheme 2023. Collection method: clinical testing. Allele origin: germline.

Labcorp Genetics (formerly Invitae), Labcorp
Classification: Uncertain significance. Last evaluated: 2024-07-22. Review status: criteria provided, single submitter. Criteria: Invitae Variant Classification Sherloc (09022015). Collection method: clinical testing. Allele origin: germline.
Comment: This sequence change replaces leucine, which is neutral and non-polar, with histidine, which is basic and polar, at codon 2259 of the NBAS protein (p.Leu2259His). This variant is present in population databases (rs541811148, gnomAD 0.007%). This variant has not been reported in the literature in individuals affected with NBAS-related conditions. ClinVar contains an entry for this variant (Variation ID: 1355558). Advanced modeling of protein sequence and biophysical properties (such as structural, functional, and spatial information, amino acid conservation, physicochemical variation, residue mobility, and thermodynamic stability) performed at Invitae indicates that this missense variant is expected to disrupt NBAS protein function with a positive predictive value of 95%. In summary, the available evidence is currently insufficient to determine the role of this variant in disease. Therefore, it has been classified as a Variant of Uncertain Significance.